The following is an entry in ClinVar:

ClinVar aggregate classification (germline): Likely pathogenic (0 of 4 stars; one submission).

Conditions:
Kabuki syndrome 1 (KABUK1). Also called: KMT2D-Related Kabuki Syndrome. Identifiers: Orphanet 2322, MedGen CN030661, MONDO:0007843, OMIM 147920.

Submission:

Baylor Genetics
Classification: Likely pathogenic for Kabuki syndrome 1. Last evaluated: 2014-12-16. Review status: no assertion criteria provided. Collection method: clinical testing. Allele origin: de novo. Inheritance: Autosomal dominant inheritance. Affected: yes. Observed: 1 variant allele, 1 heterozygote.

NM_003482.4(KMT2D):c.2389C>G (p.Leu797Val)

Gene: KMT2D (lysine methyltransferase 2D; minus strand). Cytogenetic location: 12q13.12.
Variant type: single nucleotide variant.
Coding change: c.2389C>G on transcript NM_003482.4 (MANE Select); coding-DNA position 2389, C replaced by G.
Protein change: p.Leu797Val; replaces leucine 797 with valine.
Molecular consequence: missense variant.
Genome position (GRCh38, 1-based): chr12:49,051,294, G>C on the plus strand (C>G on the coding strand, the complement: KMT2D is on the minus strand). VCF-style: chr12-49051294-G-C. GRCh37 (hg19) VCF-style: chr12-49445077-G-C.
Other names: short protein forms L797V.
Identifiers: ClinVar variation 374296 (VCV000374296.2), dbSNP rs1057518680, ClinGen allele CA16043680.